The following is an entry in ClinVar:

NM_001099271.2(POC5):c.371A>G (p.His124Arg)

Gene: POC5 (POC5 centriolar protein; minus strand). Cytogenetic location: 5q13.3.
Variant type: single nucleotide variant.
Coding change: c.371A>G on transcript NM_001099271.2 (MANE Select); coding-DNA position 371, A replaced by G.
Protein change: p.His124Arg; replaces histidine 124 with arginine.
Molecular consequence: missense variant.
Genome position (GRCh38, 1-based): chr5:75,702,747, T>C on the plus strand (A>G on the coding strand, the complement: POC5 is on the minus strand). VCF-style: chr5-75702747-T-C. GRCh37 (hg19) VCF-style: chr5-74998572-T-C.
Other names: c.296A>G, p.His99Arg (NM_152408.3); short protein forms H124R, H99R.
Identifiers: ClinVar variation 2117387 (VCV002117387.4), dbSNP rs866298879, ClinGen allele CA120981973.

ClinVar aggregate classification (germline): Uncertain significance (1 of 4 stars; one submission).

Allele frequency attached by ClinVar (database versions not stated): gnomAD exomes below 0.00001.
gnomAD v4.1: 2 of 1,601,430 alleles (0.00012%); highest among the groups gnomAD compares: East Asian, 0.0022%; no homozygotes.

Submission:

Labcorp Genetics (formerly Invitae), Labcorp
Classification: Uncertain significance. Last evaluated: 2022-05-05. Review status: criteria provided, single submitter. Criteria: Invitae Variant Classification Sherloc (09022015). Collection method: clinical testing. Allele origin: germline.
Comment: This variant has not been reported in the literature in individuals affected with POC5-related conditions. In summary, the available evidence is currently insufficient to determine the role of this variant in disease. Therefore, it has been classified as a Variant of Uncertain Significance. Algorithms developed to predict the effect of missense changes on protein structure and function are either unavailable or do not agree on the potential impact of this missense change (SIFT: "Not Available"; PolyPhen-2: "Probably Damaging"; Align-GVGD: "Not Available"). The frequency data for this variant in the population databases is considered unreliable, as metrics indicate poor data quality at this position in the gnomAD database. This sequence change replaces histidine, which is basic and polar, with arginine, which is basic and polar, at codon 124 of the POC5 protein (p.His124Arg).